The following is an entry in ClinVar:

NM_001034853.2(RPGR):c.311-4G>A

Gene: RPGR (retinitis pigmentosa GTPase regulator; minus strand). Cytogenetic location: Xp11.4.
Variant type: single nucleotide variant.
Coding change: c.311-4G>A on transcript NM_001034853.2 (MANE Select); 4 bases into the intron before coding-DNA position 311, G replaced by A.
Molecular consequence: intron variant.
Genome position (GRCh38, 1-based): chrX:38,318,991, C>T on the plus strand (G>A on the coding strand, the complement: RPGR is on the minus strand). VCF-style: chrX-38318991-C-T. GRCh37 (hg19) VCF-style: chrX-38178244-C-T.
Other names: p.?; c.311-7G>A (NM_001367249.1); c.311-4G>A (NM_001367250.1, NM_001367245.1, NM_001367251.1 and 3 more transcripts); c.341-4G>A (NM_001367248.1).
Identifiers: ClinVar variation 2660298 (VCV002660298.26), dbSNP rs773470712, ClinGen allele CA10385671.
Genomic context (GRCh38, chrX:38,318,991, plus strand): 5'-CACCAAGCCCCAACTGTCCTTCATTATTTCCACCAGTTGCATATACATTGCCTCCTTCTG[C>T]ACATGGAAAAGAAAACGTCAATAGACTATAGAGTCCCCCTTTTTATGAGACAGGTCAGTG-3'

ClinVar aggregate classification (germline): Likely benign. Review status: reviewed by expert panel (3 of 4 stars). 3 submissions from 3 submitters: Likely benign (1). 2 of the submissions do not count toward it. Last evaluated 2025-09-06.

Conditions:
RPGR-related retinopathy. Also called: RPGR retinopathy. Identifiers: MedGen CN305589, MONDO:0100437.

Allele frequency attached by ClinVar (database versions not stated): gnomAD exomes below 0.00001; ExAC 0.00001; gnomAD 0.00001.
gnomAD v4.1: 3 of 1,210,015 alleles (0.00025%); highest among the groups gnomAD compares: Non-Finnish European, 0.00034%; no homozygotes.

Submissions (3):

ClinGen X-linked Inherited Retinal Disease Variant Curation Expert Panel, ClinGen
Classification: Likely benign for RPGR-related retinopathy. Last evaluated: 2025-09-06. Review status: reviewed by expert panel. Criteria: ClinGen X LinkedIRD ACMG Specifications RPGR V1.0.0. Collection method: curation. Allele origin: germline. Inheritance: X-linked inheritance.
Comment: NM_001034853.2(RPGR):c.311-4G>A is a variant within intron 4 of RPGR. This variant is present in gnomAD v4.1.0 at a frequency of 0.000005030 among hemizygous individuals, with 2 variant alleles / 397,605 total hemizygous alleles, which is higher than the ClinGen X-linked IRD VCEP BS1 threshold of >0.000005 (BS1). The splicing impact predictor SpliceAI gives a delta score of 0.05 for acceptor gain, which is below the ClinGen X-linked IRD VCEP recommended threshold of <0.1 and does not strongly predict an impact on splicing (BP4). In summary, this variant is classified as likely benign for RPGR-related retinopathy based on the ClinGen X-linked Inherited Retinal Disease Expert Panel Specifications to the ACMG/AMP Variant Interpretation Guidelines for RPGR Version 1.0.0; BS1, and BP4.

Mayo Clinic Laboratories, Mayo Clinic
Classification: Likely benign. Last evaluated: 2025-09-08. Review status: criteria provided, single submitter. Criteria: ACMG Guidelines, 2015. Collection method: clinical testing. Allele origin: germline. Observed: 1 variant allele. Not counted in ClinVar's aggregate classification.
Comment: BP4, BP7, PM2_supporting

CeGaT Center for Human Genetics Tuebingen
Classification: Likely benign. Last evaluated: 2022-05-01. Review status: criteria provided, single submitter. Criteria: CeGaT Center For Human Genetics Tuebingen Variant Classification Criteria Version 2. Collection method: clinical testing. Allele origin: germline. Affected: yes. Observed: 1 variant allele. Not counted in ClinVar's aggregate classification.
Comment: RPGR: BP4